The following is an entry in ClinVar:

NM_000137.4(FAH):c.1027_1028delinsTT (p.Gly343Leu)

Gene: FAH (fumarylacetoacetate hydrolase; plus strand). Cytogenetic location: 15q25.1.
Variant type: Indel.
Coding change: c.1027_1028delinsTT on transcript NM_000137.4 (MANE Select); coding-DNA positions 1027 to 1028, GG replaced by TT.
Protein change: p.Gly343Leu; replaces glycine 343 with leucine.
Molecular consequence: missense variant.
Genome position (GRCh38, 1-based): chr15:80,180,190-80,180,191, GG replaced by TT. VCF-style: chr15-80180190-GG-TT. GRCh37 (hg19) VCF-style: chr15-80472532-GG-TT.
Other names: c.1027_1028delinsTT, p.Gly343Leu (NM_001374377.1, NM_001374380.1); short protein forms G343L.
Identifiers: ClinVar variation 3339168 (VCV003339168.1).
Genomic context (GRCh38, chr15:80,180,190, plus strand): 5'-TACTGGACGATGCTGCAGCAGCTCACTCACCACTCTGTCAACGGCTGCAACCTGCGGCCG[GG>TT]GGACCTCCTGGCTTCTGGGACCATCAGCGGGCCGGTGAGTATCTGGCTGCACTGAGGGCT-3'
Protein context (NP_000128.1, residues 333-353): HSVNGCNLRP[Gly343Leu]DLLASGTISG

ClinVar aggregate classification (germline): Uncertain significance (1 of 4 stars; one submission).

Submission:

Women's Health and Genetics/Laboratory Corporation of America, LabCorp
Classification: Uncertain significance. Last evaluated: 2024-07-30. Review status: criteria provided, single submitter. Criteria: LabCorp Variant Classification Summary - May 2015. Collection method: clinical testing. Allele origin: germline.
Comment: Variant summary: FAH c.1027_1028delinsTT (p.Gly343Leu) results in a non-conservative amino acid change located in the Fumarylacetoacetase-like, C-terminal domain (IPR011234) of the encoded protein sequence. Three of four in-silico tools predict a damaging effect of the variant on protein function. The variant was absent in 1609440 control chromosomes. The available data on variant occurrences in the general population are insufficient to allow any conclusion about variant significance. To our knowledge, no occurrence of c.1027_1028delinsTT in individuals affected with Tyrosinemia Type 1 and no experimental evidence demonstrating its impact on protein function have been reported. A different variant affecting the same codon has been classified as pathogenic by our lab (c.1027G>T, p.Gly343Trp), supporting the critical relevance of codon 343 to FAH protein function. No submitters have cited clinical-significance assessments for this variant to ClinVar. Based on the evidence outlined above, the variant was classified as uncertain significance.